The following is an entry in ClinVar:

NM_172107.4(KCNQ2):c.463C>G (p.Arg155Gly)

Gene: KCNQ2 (potassium voltage-gated channel subfamily Q member 2; minus strand). Cytogenetic location: 20q13.33.
Variant type: single nucleotide variant.
Coding change: c.463C>G on transcript NM_172107.4 (MANE Select); coding-DNA position 463, C replaced by G.
Protein change: p.Arg155Gly; replaces arginine 155 with glycine.
Molecular consequence: missense variant.
Genome position (GRCh38, 1-based): chr20:63,445,289, G>C on the plus strand (C>G on the coding strand, the complement: KCNQ2 is on the minus strand). VCF-style: chr20-63445289-G-C. GRCh37 (hg19) VCF-style: chr20-62076642-G-C.
Other names: c.463C>G, p.Arg155Gly (NM_001382235.1, NM_004518.6, NM_172106.3 and 2 more transcripts); short protein forms R155G.
Identifiers: ClinVar variation 1722230 (VCV001722230.5), dbSNP rs886042698, ClinGen allele CA409655279.

ClinVar aggregate classification (germline): Uncertain significance (1 of 4 stars; one submission).

Conditions:
Early-infantile DEE. Also called: Early infantile epileptic encephalopathy with suppression bursts; Early infantile epileptic encephalopathy; Ohtahara syndrome. Identifiers: Orphanet 1934, MedGen C0393706, MONDO:0800491.

Submission:

Labcorp Genetics (formerly Invitae), Labcorp
Classification: Uncertain significance for Early-infantile DEE. Last evaluated: 2022-10-26. Review status: criteria provided, single submitter. Criteria: Invitae Variant Classification Sherloc (09022015). Collection method: clinical testing. Allele origin: germline.
Comment: In summary, the available evidence is currently insufficient to determine the role of this variant in disease. Therefore, it has been classified as a Variant of Uncertain Significance. Algorithms developed to predict the effect of sequence changes on RNA splicing suggest that this variant may create or strengthen a splice site. Advanced modeling of protein sequence and biophysical properties (such as structural, functional, and spatial information, amino acid conservation, physicochemical variation, residue mobility, and thermodynamic stability) performed at Invitae indicates that this missense variant is expected to disrupt KCNQ2 protein function. This variant has not been reported in the literature in individuals affected with KCNQ2-related conditions. This variant is not present in population databases (gnomAD no frequency). This sequence change replaces arginine, which is basic and polar, with glycine, which is neutral and non-polar, at codon 155 of the KCNQ2 protein (p.Arg155Gly).